The following is an entry in ClinVar:

NM_005188.4(CBL):c.2551G>T (p.Ala851Ser)

Gene: CBL (Cbl proto-oncogene; plus strand). Cytogenetic location: 11q23.3.
Variant type: single nucleotide variant.
Coding change: c.2551G>T on transcript NM_005188.4 (MANE Select); coding-DNA position 2551, G replaced by T.
Protein change: p.Ala851Ser; replaces alanine 851 with serine.
Molecular consequence: missense variant.
Genome position (GRCh38, 1-based): chr11:119,299,611, G>T. VCF-style: chr11-119299611-G-T. GRCh37 (hg19) VCF-style: chr11-119170321-G-T.
Other names: c.2551G>T (NM_005188.2); short protein forms A851S.
Identifiers: ClinVar variation 1945205 (VCV001945205.6), dbSNP rs768228850, ClinGen allele CA6318809.

ClinVar aggregate classification (germline): Uncertain significance. Review status: criteria provided, multiple submitters, no conflicts (2 of 4 stars). 2 submissions from 2 submitters: Uncertain significance (2). Last evaluated 2025-06-20.

Conditions:
RASopathy. Also called: rasopathies; Noonan spectrum disorder. Identifiers: Orphanet 536391, MedGen C5555857, MONDO:0021060.
Cardiovascular phenotype. Identifiers: MedGen CN230736.

Allele frequency attached by ClinVar (database versions not stated): ExAC 0.00001; gnomAD 0.00001; gnomAD exomes 0.00001; TOPMed 0.00001.
gnomAD v4.1: 5 of 1,614,082 alleles (0.00031%); highest among the groups gnomAD compares: Admixed American, 0.0083%; no homozygotes.

Submissions (2):

Ambry Genetics
Classification: Uncertain significance for Cardiovascular phenotype. Last evaluated: 2025-06-20. Review status: criteria provided, single submitter. Criteria: Ambry Variant Classification Scheme 2023. Collection method: clinical testing. Allele origin: germline.
Comment: The p.A851S variant (also known as c.2551G>T), located in coding exon 16 of the CBL gene, results from a G to T substitution at nucleotide position 2551. The alanine at codon 851 is replaced by serine, an amino acid with similar properties. This amino acid position is conserved. In addition, this alteration is predicted to be tolerated by in silico analysis. Based on the available evidence, the clinical significance of this variant remains unclear.

Labcorp Genetics (formerly Invitae), Labcorp
Classification: Uncertain significance for RASopathy. Last evaluated: 2025-02-17. Review status: criteria provided, single submitter. Criteria: Invitae Variant Classification Sherloc (09022015). Collection method: clinical testing. Allele origin: germline.
Comment: This sequence change replaces alanine, which is neutral and non-polar, with serine, which is neutral and polar, at codon 851 of the CBL protein (p.Ala851Ser). This variant is present in population databases (rs768228850, gnomAD 0.01%). This variant has not been reported in the literature in individuals affected with CBL-related conditions. ClinVar contains an entry for this variant (Variation ID: 1945205). Invitae Evidence Modeling of protein sequence and biophysical properties (such as structural, functional, and spatial information, amino acid conservation, physicochemical variation, residue mobility, and thermodynamic stability) indicates that this missense variant is not expected to disrupt CBL protein function with a negative predictive value of 95%. In summary, the available evidence is currently insufficient to determine the role of this variant in disease. Therefore, it has been classified as a Variant of Uncertain Significance.